The following is an entry in ClinVar:

ClinVar aggregate classification (germline): Uncertain significance (1 of 4 stars; one submission).

Conditions:
Coffin-Siris syndrome 1 (CSS1). Also called: Mental retardation, autosomal dominant 12; ARID1B-Related Coffin-Siris Syndrome. Identifiers: Orphanet 1465, MedGen C3281201, MONDO:0007617, OMIM 135900. Disease mechanism: gain of function.

Allele frequency attached by ClinVar (database versions not stated): gnomAD exomes below 0.00001.
gnomAD v4.1: 1 of 1,527,728 alleles (0.000065%); highest among the groups gnomAD compares: Non-Finnish European, 0.000087%; no homozygotes.

Submission:

Centre for Mendelian Genomics, University Medical Centre Ljubljana
Classification: Uncertain significance for Coffin-Siris syndrome 1. Last evaluated: 2019-08-12. Review status: criteria provided, single submitter. Criteria: ACMG Guidelines, 2015. Collection method: clinical testing. Allele origin: unknown. Affected: yes.
Comment: This variant was classified as: Uncertain significance. The available evidence on this variant's pathogenicity is insufficient or conflicting. The following ACMG criteria were applied in classifying this variant: PM2,BP1.

NM_001374828.1(ARID1B):c.253G>T (p.Ala85Ser)

Genes: ARID1B (AT-rich interaction domain 1B; plus strand), LOC115308161 (uncharacterized LOC115308161; minus strand), LOC129997523 (ATAC-STARR-seq lymphoblastoid silent region 17710; plus strand). Cytogenetic location: 6q25.3.
Variant type: single nucleotide variant.
Coding change: c.253G>T on transcript NM_001374828.1 (MANE Select); coding-DNA position 253, G replaced by T.
Protein change: p.Ala85Ser; replaces alanine 85 with serine.
Molecular consequence: missense variant.
Genome position (GRCh38, 1-based): chr6:156,777,933, G>T. VCF-style: chr6-156777933-G-T. GRCh37 (hg19) VCF-style: chr6-157099067-G-T.
Other names: c.4G>T (NM_020732.3); c.253G>T, p.Ala85Ser (NM_001371656.1, NM_001374820.1, NM_017519.3); short protein forms A85S.
Identifiers: ClinVar variation 930553 (VCV000930553.3), dbSNP rs1349412123, ClinGen allele CA366380835.